The following is an entry in ClinVar:

NM_000255.4(MMUT):c.982C>T (p.Leu328Phe)

Gene: MMUT (methylmalonyl-CoA mutase; minus strand). Cytogenetic location: 6p12.3.
Variant type: single nucleotide variant.
Coding change: c.982C>T on transcript NM_000255.4 (MANE Select); coding-DNA position 982, C replaced by T.
Protein change: p.Leu328Phe; replaces leucine 328 with phenylalanine.
Molecular consequence: missense variant.
Genome position (GRCh38, 1-based): chr6:49,453,686, G>A on the plus strand (C>T on the coding strand, the complement: MMUT is on the minus strand). VCF-style: chr6-49453686-G-A. GRCh37 (hg19) VCF-style: chr6-49421399-G-A.
Other names: short protein forms L328F.
Identifiers: ClinVar variation 203844 (VCV000203844.12), dbSNP rs796052002, ClinGen allele CA312762.
Genomic context (GRCh38, chr6:49,453,686, plus strand): 5'-TTAGAAGAAGAGATTTTGAGTTTTTAGGCTGAAACATTTTCTCTATTAAGTGAGCCCAGA[G>A]TCTTCTACCAGCTCTCATCTTTGCTATTTCCATATAGAAATTCATTCCAATTCCCCAGAA-3'
Protein context (NP_000246.2, residues 318-338): EIAKMRAGRR[Leu328Phe]WAHLIEKMFQ

ClinVar aggregate classification (germline): Pathogenic/Likely pathogenic. Review status: criteria provided, multiple submitters, no conflicts (2 of 4 stars). 5 submissions from 5 submitters: Pathogenic (2); Likely pathogenic (1). 2 of the submissions do not count toward it. Last evaluated 2024-02-23.

Conditions:
Methylmalonic aciduria due to complete methylmalonyl-CoA mutase deficiency.
Methylmalonic acidemia (MMA). Also called: Isolated Methylmalonic Acidemia. Identifiers: MedGen C0268583, MeSH C537358, MONDO:0002012, HP:0002912.
Methylmalonic aciduria due to methylmalonyl-CoA mutase deficiency (MAMM). Also called: Methylmalonic aciduria, mut type. Identifiers: Orphanet 27, MedGen C1855114, MONDO:0009612, OMIM 251000.

Allele frequency attached by ClinVar (database versions not stated): gnomAD 0.00001; TOPMed below 0.00001.
gnomAD v4.1: 4 of 1,613,038 alleles (0.00025%); no homozygotes.

Submissions (5):

Labcorp Genetics (formerly Invitae), Labcorp
Classification: Pathogenic. Last evaluated: 2024-02-23. Review status: criteria provided, single submitter. Criteria: Invitae Variant Classification Sherloc (09022015). Collection method: clinical testing. Allele origin: germline.
Comment: This sequence change replaces leucine, which is neutral and non-polar, with phenylalanine, which is neutral and non-polar, at codon 328 of the MUT protein (p.Leu328Phe). This variant is not present in population databases (gnomAD no frequency). This missense change has been observed in individual(s) with methylmalonic aciduria (PMID: 15643616, 17113806, 27167370). ClinVar contains an entry for this variant (Variation ID: 203844). Advanced modeling of protein sequence and biophysical properties (such as structural, functional, and spatial information, amino acid conservation, physicochemical variation, residue mobility, and thermodynamic stability) performed at Invitae indicates that this missense variant is expected to disrupt MUT protein function with a positive predictive value of 95%. Experimental studies have shown that this missense change affects MUT function (PMID: 25125334). For these reasons, this variant has been classified as Pathogenic.

Fulgent Genetics
Classification: Likely pathogenic for Methylmalonic aciduria due to methylmalonyl-CoA mutase deficiency. Last evaluated: 2022-01-04. Review status: criteria provided, single submitter. Criteria: ACMG Guidelines, 2015. Collection method: clinical testing. Allele origin: unknown.

Women's Health and Genetics/Laboratory Corporation of America, LabCorp
Classification: Pathogenic for Methylmalonic acidemia. Last evaluated: 2017-02-09. Review status: criteria provided, single submitter. Criteria: LabCorp Variant Classification Summary - May 2015. Collection method: clinical testing. Allele origin: germline.
Comment: Variant summary: The MUT c.982C>T (p.Leu328Phe) variant involves the alteration of a conserved nucleotide and is located in substrate-binding TIM barrel of the protein (Lempp_2007, Dndar_2012). 3/4 in silico tools predict a damaging outcome for this variant (SNPs&GO not captured due to low reliability index). This variant is absent in 121168 control chromosomes including broad and large population of ExAC. This variant is reported as a pathogenic variant in literature and has been found in several patients with methylmalonic academia in homozygous as well as in compound heterozygous state with other potentially pathogenic variants. Functional studies for this variant are consistent with defective enzymatic activity. One clinical diagnostic laboratory has classified this variant as pathogenic. Taken together, this variant is classified as Pathogenic.

Natera, Inc.
Classification: Pathogenic for Methylmalonic aciduria due to complete methylmalonyl-CoA mutase deficiency. Last evaluated: 2020-08-25. Review status: no assertion criteria provided. Collection method: clinical testing. Allele origin: germline. Not counted in ClinVar's aggregate classification.

Counsyl
Classification: Likely pathogenic for Methylmalonic aciduria due to methylmalonyl-CoA mutase deficiency. Last evaluated: 2017-04-06. Review status: no assertion criteria provided. Collection method: clinical testing. Allele origin: unknown. Not counted in ClinVar's aggregate classification.

Literature cited by the submitters: PubMed 15643616 (cited by Labcorp Genetics (formerly Invitae), Labcorp and Women's Health and Genetics/Laboratory Corporation of America, LabCorp); PubMed 17113806 (cited by Labcorp Genetics (formerly Invitae), Labcorp); PubMed 27167370 (cited by Labcorp Genetics (formerly Invitae), Labcorp and Counsyl); PubMed 25125334 (cited by Labcorp Genetics (formerly Invitae), Labcorp and Counsyl); PubMed 22727635 (cited by Women's Health and Genetics/Laboratory Corporation of America, LabCorp and Counsyl); PubMed 23430940 (cited by Counsyl).